The following is an entry in ClinVar:

NM_003079.5(SMARCE1):c.9_12del

Gene: SMARCE1 (SWI/SNF related BAF chromatin remodeling complex subunit E1; minus strand). Cytogenetic location: 17q21.2.
Variant type: Deletion.
Coding change: c.9_12del on transcript NM_003079.5 (MANE Select); coding-DNA positions 9 to 12, 4 bases deleted (AAGA; older notation c.9_12delAAGA).
Molecular consequence: splice acceptor variant.
Genome position (GRCh38, 1-based): chr17:40,645,615-40,645,618, TCTT deleted on the plus strand (AAGA on the coding strand, the reverse complement: SMARCE1 is on the minus strand); deleting any 4 consecutive bases within chr17:40,645,615-40,645,621 gives the same sequence; the c. name uses the placement nearest the transcript's 3' end. VCF-style (leftmost placement, unchanged base first): chr17-40645614-GTCTT-G. GRCh37 (hg19) VCF-style: chr17-38801866-GTCTT-G.
Identifiers: ClinVar variation 4759325 (VCV004759325.1).

ClinVar aggregate classification (germline): Likely pathogenic (1 of 4 stars; one submission).

Conditions:
Familial meningioma. Also called: Meningioma, familial, susceptibility to. Identifiers: Orphanet 263662, MedGen C3551915, MONDO:0011789, OMIM 607174.

Submission:

Institute for Genomic Medicine (IGM) Clinical Laboratory, Nationwide Children's Hospital
Classification: Likely pathogenic for Familial meningioma. Last evaluated: 2024-12-09. Review status: criteria provided, single submitter. Criteria: ACMG Guidelines, 2015. Collection method: clinical testing. Allele origin: germline.
Comment: This variant is predicted to result in loss of function through nonsense-mediated decay of the encoded transcript or premature truncation of the encoded protein in a gene in which loss of function is a known mechanism of disease (ACMG/AMP: PVS1). This variant is absent from or present at an exceedingly low frequency in gnomAD, a large-scale control population database (ACMG/AMP: PM2).